The following is an entry in ClinVar:

ClinVar aggregate classification (germline): Likely pathogenic (1 of 4 stars; one submission).

Submission:

ARUP Laboratories, Molecular Genetics and Genomics, ARUP Laboratories
Classification: Likely pathogenic. Last evaluated: 2018-10-09. Review status: criteria provided, single submitter. Criteria: ARUP Molecular Germline Variant Investigation Process. Collection method: clinical testing. Allele origin: germline.
Comment: The COL1A2 c.1396G>A; p.Gly466Ser variant, to our knowledge, is not described in the medical literature or in gene-specific databases. It is also absent from general population databases (1000 Genomes Project, Exome Variant Server, and Genome Aggregation Database), indicating it is not a common polymorphism. This variant disrupts the repeating Gly-X-Y sequence motif of the collagen triple helix and is predicted to impair collagen function (Ben Amor 2011). Additionally, several other surrounding glycine substitutions in this exon have been reported in individuals affected with osteogenesis imperfecta and are considered pathogenic (Marini 2007). Based on available information, the p.Gly466Ser variant is considered likely pathogenic. REFERENCES Ben Amor I et al. Genotype-phenotype correlations in autosomal dominant osteogenesis imperfecta. J Osteoporos. 2011; 2011:540178. Marini J et al. Consortium for osteogenesis imperfecta mutations in the helical domain of type I collagen: regions rich in lethal mutations align with collagen binding sites for integrins and proteoglycans. Hum Mutat. 2007 Mar;28(3):209-21.

NM_000089.4(COL1A2):c.1396G>A (p.Gly466Ser)

Gene: COL1A2 (collagen type I alpha 2 chain; plus strand). Cytogenetic location: 7q21.3.
Variant type: single nucleotide variant.
Coding change: c.1396G>A on transcript NM_000089.4 (MANE Select); coding-DNA position 1396, G replaced by A.
Protein change: p.Gly466Ser; replaces glycine 466 with serine.
Molecular consequence: missense variant.
Genome position (GRCh38, 1-based): chr7:94,412,113, G>A. VCF-style: chr7-94412113-G-A. GRCh37 (hg19) VCF-style: chr7-94041425-G-A.
Other names: short protein forms G466S.
Identifiers: ClinVar variation 811159 (VCV000811159.8), dbSNP rs1584321194, ClinGen allele CA368221768.